The following is an entry in ClinVar:

NM_002474.3(MYH11):c.4956T>A (p.Ala1652=)

Genes: MYH11 (myosin heavy chain 11; minus strand), NDE1 (nudE neurodevelopment protein 1; plus strand). Cytogenetic location: 16p13.11.
Variant type: single nucleotide variant.
Coding change: c.4956T>A on transcript NM_002474.3 (MANE Select); coding-DNA position 4956, T replaced by A.
Protein change: p.Ala1652=; no amino-acid change (alanine 1652 retained).
Molecular consequence: synonymous variant. On other transcripts: intron variant (2).
Genome position (GRCh38, 1-based): chr16:15,719,711, A>T on the plus strand (T>A on the coding strand, the complement: MYH11 is on the minus strand). VCF-style: chr16-15719711-A-T. GRCh37 (hg19) VCF-style: chr16-15813568-A-T.
Other names: c.4977T>A, p.Ala1659= (NM_001040113.2, NM_001040114.2); c.4956T>A, p.Ala1652= (NM_022844.3); c.948-4480A>T (NM_001143979.2, NM_017668.3).
Identifiers: ClinVar variation 4084351 (VCV004084351.9).
Genomic context (GRCh38, chr16:15,719,711, plus strand): 5'-AAAGATCTCATCTCTGGAGGCACGGGCATCTTCCAGCTCTCTTTGAAAGTCCTTCATCTG[A>T]GCCTGCATGAGTCAACAGGGAGGACAAGCTCAGATGTCCTTACTCCCCCAAGTTCTGCTG-3'
Protein context (NP_002465.1, residues 1642-1662): EAIKQLRKLQ[Ala1652=]QMKDFQRELE

ClinVar aggregate classification (germline): Conflicting classifications of pathogenicity. Review status: criteria provided, conflicting classifications (1 of 4 stars). 2 submissions from 2 submitters: Uncertain significance (1); Likely benign (1). Last evaluated 2025-08-01.

Conditions:
Familial thoracic aortic aneurysm and aortic dissection (TAAD). Also called: Thoracic aortic aneurysms and dissections. Identifiers: Orphanet 91387, MedGen C4707243, MONDO:0019625.

gnomAD v4.1: 2 of 1,613,994 alleles (0.00012%); highest among the groups gnomAD compares: Non-Finnish European, 0.00017%; no homozygotes.

Submissions (2):

CeGaT Center for Human Genetics Tuebingen
Classification: Likely benign. Last evaluated: 2025-08-01. Review status: criteria provided, single submitter. Criteria: CeGaT Center For Human Genetics Tuebingen Variant Classification Criteria Version 2. Collection method: clinical testing. Allele origin: germline. Affected: yes. Observed: 1 variant allele.
Comment: MYH11: BP4, BP7

Color Diagnostics, LLC DBA Color Health
Classification: Uncertain significance for Familial thoracic aortic aneurysm and aortic dissection. Last evaluated: 2025-06-09. Review status: criteria provided, single submitter. Criteria: ACMG Guidelines, 2015. Collection method: clinical testing. Allele origin: germline.
Comment: This variant is located in the MYH11 protein. To our knowledge, functional studies have not been reported for this variant. This variant has not been reported in individuals affected with MYH11-related disorders in the literature. This variant has not been identified in the general population by the Genome Aggregation Database (gnomAD). The available evidence is insufficient to determine the role of this variant in disease conclusively. Therefore, this variant is classified as a Variant of Uncertain Significance.